The following is an entry in ClinVar:

NM_005732.4(RAD50):c.3062A>G (p.Asn1021Ser)

Gene: RAD50 (RAD50 double strand break repair protein; plus strand). Cytogenetic location: 5q31.1.
Variant type: single nucleotide variant.
Coding change: c.3062A>G on transcript NM_005732.4 (MANE Select); coding-DNA position 3062, A replaced by G.
Protein change: p.Asn1021Ser; replaces asparagine 1021 with serine.
Molecular consequence: missense variant.
Genome position (GRCh38, 1-based): chr5:132,616,028, A>G. VCF-style: chr5-132616028-A-G. GRCh37 (hg19) VCF-style: chr5-131951720-A-G.
Other names: short protein forms N1021S.
Identifiers: ClinVar variation 3942197 (VCV003942197.1).

ClinVar aggregate classification (germline): Uncertain significance (1 of 4 stars; one submission).

Conditions:
Hereditary cancer-predisposing syndrome. Also called: Tumor predisposition; Hereditary neoplastic syndrome; Hereditary Cancer Syndrome; Neoplastic Syndromes, Hereditary. Identifiers: Orphanet 140162, MedGen C0027672, MeSH D009386, MONDO:0015356.

Submission:

Ambry Genetics
Classification: Uncertain significance for Hereditary cancer-predisposing syndrome. Last evaluated: 2025-05-19. Review status: criteria provided, single submitter. Criteria: Ambry Variant Classification Scheme 2023. Collection method: clinical testing. Allele origin: germline.
Comment: The p.N1021S variant (also known as c.3062A>G), located in coding exon 20 of the RAD50 gene, results from an A to G substitution at nucleotide position 3062. The asparagine at codon 1021 is replaced by serine, an amino acid with highly similar properties. This amino acid position is conserved. In addition, this alteration is predicted to be tolerated by in silico analysis. Based on the available evidence, the clinical significance of this variant remains unclear.